The following is an entry in ClinVar:

NM_130384.3(ATRIP):c.1840G>T (p.Ala614Ser)

Genes: ATRIP (ATR interacting protein; plus strand), ATRIP-TREX1 (ATRIP-TREX1 readthrough; plus strand). Cytogenetic location: 3p21.31.
Variant type: single nucleotide variant.
Coding change: c.1840G>T on transcript NM_130384.3 (MANE Select); coding-DNA position 1840, G replaced by T.
Protein change: p.Ala614Ser; replaces alanine 614 with serine.
Molecular consequence: missense variant. On other transcripts: non-coding transcript variant (1).
Genome position (GRCh38, 1-based): chr3:48,463,839, G>T. VCF-style: chr3-48463839-G-T. GRCh37 (hg19) VCF-style: chr3-48505238-G-T.
Other names: c.1459G>T, p.Ala487Ser (NM_001271022.2); c.1561G>T, p.Ala521Ser (NM_001271023.2); c.1840G>T, p.Ala614Ser (NM_032166.4); short protein forms A487S, A614S, A521S.
Identifiers: ClinVar variation 3977203 (VCV003977203.1).
Genomic context (GRCh38, chr3:48,463,839, plus strand): 5'-CTCAGCCCAGAGACACCCCTGCCTAGCGTGCTGCTGGCTGTTGAGCTCCTCTCCCTGCTG[G>T]CGGACCACGACCAGCTGGCACCTCAGCTCTGTTCCCACTCAGGTAAAGCAGGGTGGGGCG-3'
Protein context (NP_569055.1, residues 604-624): LLAVELLSLL[Ala614Ser]DHDQLAPQLC

ClinVar aggregate classification (germline): Uncertain significance (1 of 4 stars; one submission).

gnomAD v4.1: 2 of 1,614,136 alleles (0.00012%); highest among the groups gnomAD compares: Non-Finnish European, 0.00017%; no homozygotes.

Submission:

Ambry Genetics
Classification: Uncertain significance. Last evaluated: 2025-06-12. Review status: criteria provided, single submitter. Criteria: Ambry Variant Classification Scheme 2023. Collection method: clinical testing. Allele origin: germline.
Comment: The p.A614S variant (also known as c.1840G>T), located in coding exon 9 of the ATRIP gene, results from a G to T substitution at nucleotide position 1840. The alanine at codon 614 is replaced by serine, an amino acid with similar properties. This amino acid position is conserved. In addition, this alteration is predicted to be tolerated by in silico analysis. Based on the available evidence, the clinical significance of this variant remains unclear.